The following is an entry in ClinVar:

ClinVar aggregate classification (germline): Pathogenic (1 of 4 stars; one submission).

Conditions:
Polycystic kidney disease 2 (PKD2). Also called: POLYCYSTIC KIDNEY DISEASE, ADULT, TYPE II; Polycystic Kidney Disease 2, Autosomal Dominant; POLYCYSTIC KIDNEY DISEASE 2 WITH OR WITHOUT POLYCYSTIC LIVER DISEASE. Identifiers: MedGen C2751306, MONDO:0013131, OMIM 613095.

Submission:

MVZ Medizinische Genetik Mainz
Classification: Pathogenic for Polycystic kidney disease 2. Last evaluated: 2024-10-23. Review status: criteria provided, single submitter. Criteria: UK Practice Guidelines For Variant Classification V4 01 2020. Collection method: clinical testing. Allele origin: germline. Inheritance: Autosomal dominant inheritance. Affected: yes. Observed: 1 variant allele.
Comment: ACMG Criteria: PVS1,PM2_SUP,PP4

NM_000297.4(PKD2):c.129_147del (p.Gly45fs)

Genes: PKD2 (polycystin 2, transient receptor potential cation channel; plus strand), LOC129992813 (ATAC-STARR-seq lymphoblastoid silent region 15559; plus strand). Cytogenetic location: 4q22.1.
Variant type: Deletion.
Coding change: c.129_147del on transcript NM_000297.4 (MANE Select); coding-DNA positions 129 to 147, 19 bases deleted (GGGCGGCCTCTGCGAGCAG).
Protein change: p.Gly45fs; shifts the reading frame from glycine 45.
Molecular consequence: frameshift variant. On other transcripts: non-coding transcript variant (1).
Genome position (GRCh38, 1-based): chr4:88,007,862-88,007,880, GGGCGGCCTCTGCGAGCAG deleted. VCF-style (leftmost placement, unchanged base first): chr4-88007861-CGGGCGGCCTCTGCGAGCAG-C. GRCh37 (hg19) VCF-style: chr4-88929013-CGGGCGGCCTCTGCGAGCAG-C.
Other names: short protein forms G45fs.
Identifiers: ClinVar variation 3383242 (VCV003383242.1).